The following is an entry in ClinVar:

NM_001128148.3(TFRC):c.1485G>A (p.Lys495=)

Gene: TFRC (transferrin receptor; minus strand). Cytogenetic location: 3q29.
Variant type: single nucleotide variant.
Coding change: c.1485G>A on transcript NM_001128148.3 (MANE Select); coding-DNA position 1485, G replaced by A.
Protein change: p.Lys495=; no amino-acid change (lysine 495 retained).
Molecular consequence: synonymous variant.
Genome position (GRCh38, 1-based): chr3:196,060,231, C>T on the plus strand (G>A on the coding strand, the complement: TFRC is on the minus strand). VCF-style: chr3-196060231-C-T. GRCh37 (hg19) VCF-style: chr3-195787102-C-T.
Other names: c.1242G>A, p.Lys414= (NM_001313965.2); c.639G>A, p.Lys213= (NM_001313966.2); c.1485G>A, p.Lys495= (NM_003234.4).
Identifiers: ClinVar variation 785080 (VCV000785080.13), dbSNP rs111276121, ClinGen allele CA2777893.
Genomic context (GRCh38, chr3:196,060,231, plus strand): 5'-TATACTCACATTTTGCATTGTTTTCTCAATAAGCGTATACAACAGTGGGCTGGCAGAAAC[C>T]TTGAAGTTGCTGGTACCTGAAAATAAATTGTTTTATCATTGCCCCTTCTCCATTCCGATA-3'
Protein context (NP_001121620.1, residues 485-505): DKAVLGTSNF[Lys495=]VSASPLLYTL

ClinVar aggregate classification (germline): Benign/Likely benign. Review status: criteria provided, multiple submitters, no conflicts (2 of 4 stars). 4 submissions from 4 submitters: Benign (1); Likely benign (3). Last evaluated 2026-08-01.

Allele frequency attached by ClinVar (database versions not stated): ExAC 0.00077; 1000 Genomes Project 0.00180; ESP Exome Variant Server 0.00208; gnomAD 0.00219 and 0.00230; 1000 Genomes Project 30x 0.00234; TOPMed 0.00259.

Submissions (4):

CeGaT Center for Human Genetics Tuebingen
Classification: Likely benign. Last evaluated: 2026-08-01. Review status: criteria provided, single submitter. Criteria: CeGaT Center For Human Genetics Tuebingen Variant Classification Criteria Version 2. Collection method: clinical testing. Allele origin: germline. Affected: yes. Observed: 1 variant allele.
Comment: TFRC: BP4, BP7

Women's Health and Genetics/Laboratory Corporation of America, LabCorp
Classification: Likely benign. Last evaluated: 2026-03-31. Review status: criteria provided, single submitter. Criteria: LabCorp Variant Classification Summary - May 2015. Collection method: clinical testing. Allele origin: germline.

Labcorp Genetics (formerly Invitae), Labcorp
Classification: Benign. Last evaluated: 2026-01-24. Review status: criteria provided, single submitter. Criteria: Invitae Variant Classification Sherloc (09022015). Collection method: clinical testing. Allele origin: germline.

Blueprint Genetics
Classification: Likely benign. Last evaluated: 2024-10-09. Review status: criteria provided, single submitter. Criteria: ACMG Guidelines, 2015. Collection method: clinical testing. Allele origin: germline.